The following is an entry in ClinVar:

NM_000138.5(FBN1):c.8219A>G (p.Asn2740Ser)

Gene: FBN1 (fibrillin 1; minus strand). Cytogenetic location: 15q21.1.
Variant type: single nucleotide variant.
Coding change: c.8219A>G on transcript NM_000138.5 (MANE Select); coding-DNA position 8219, A replaced by G.
Protein change: p.Asn2740Ser; replaces asparagine 2740 with serine.
Molecular consequence: missense variant.
Genome position (GRCh38, 1-based): chr15:48,412,576, T>C on the plus strand (A>G on the coding strand, the complement: FBN1 is on the minus strand). VCF-style: chr15-48412576-T-C. GRCh37 (hg19) VCF-style: chr15-48704773-T-C.
Other names: short protein forms N2740S.
Identifiers: ClinVar variation 36126 (VCV000036126.35), dbSNP rs193922242, ClinGen allele CA017627.
Genomic context (GRCh38, chr15:48,412,576, plus strand): 5'-TGGAAGGGCTTTCCACCACAGGAGACATCAGGAGAAACTAACTTCTGACCCACCTCGATA[T>C]TGGAGGCATCAGTTTCGTTTGTGCTTCTCCGTTTCCTGCCCCGTTTGGGGTAGCCATTGA-3'
Protein context (NP_000129.3, residues 2730-2750): RRSTNETDAS[Asn2740Ser]IEDQSETEAN

ClinVar aggregate classification (germline): Conflicting classifications of pathogenicity. Review status: criteria provided, conflicting classifications (1 of 4 stars). 8 submissions from 8 submitters: Uncertain significance (7); Likely benign (1). Last evaluated 2026-10-26.

Conditions:
Marfan syndrome (MFS). Also called: MARFAN SYNDROME, TYPE I; Marfan syndrome type 1; Marfan syndrome, classic; FBN1-Related Marfan Syndrome; Marfan's syndrome. Identifiers: Orphanet 284963, Orphanet 558, MedGen C0024796, MONDO:0007947, OMIM 154700.
Familial thoracic aortic aneurysm and aortic dissection (TAAD). Also called: Thoracic aortic aneurysms and dissections. Identifiers: Orphanet 91387, MedGen C4707243, MONDO:0019625.

Allele frequency attached by ClinVar (database versions not stated): gnomAD 0.00005 and 0.00003; 1000 Genomes Project 30x 0.00016; 1000 Genomes Project 0.00020; ExAC 0.00002; gnomAD exomes 0.00004 and 0.00003; TOPMed 0.00006.
gnomAD v4.1: 68 of 1,614,056 alleles (0.0042%); highest among the groups gnomAD compares: South Asian, 0.0066%; no homozygotes.

Submissions (8):

GeneDx
Classification: Uncertain significance. Last evaluated: 2026-10-26. Review status: criteria provided, single submitter. Criteria: GeneDx Variant Classification Process June 2021. Collection method: clinical testing. Allele origin: germline.
Comment: Reported as a variant of uncertain significance in one patient with suspected Marfan syndrome; however, this patient did not meet Ghent criteria (PMID: 24793577); In silico analysis suggests that this missense variant does not alter protein structure/function; Does not affect a cysteine residue within a calcium-binding EGF-like domain or a TGF-binding protein domain of the FBN1 gene; cysteine substitutions in the calcium-binding EGF-like domains represent the majority of pathogenic missense changes associated with FBN1-related disorders (PMID: 12938084); This variant is associated with the following publications: (PMID: 24793577, 12938084)

Ambry Genetics
Classification: Likely benign for Familial thoracic aortic aneurysm and aortic dissection. Last evaluated: 2025-03-06. Review status: criteria provided, single submitter. Criteria: Ambry Variant Classification Scheme 2023. Collection method: clinical testing. Allele origin: germline.

Women's Health and Genetics/Laboratory Corporation of America, LabCorp
Classification: Uncertain significance. Last evaluated: 2025-02-10. Review status: criteria provided, single submitter. Criteria: LabCorp Variant Classification Summary - May 2015. Collection method: clinical testing. Allele origin: germline.
Comment: Variant summary: FBN1 c.8219A>G (p.Asn2740Ser) results in a conservative amino acid change in the encoded protein sequence. Five of five in-silico tools predict a benign effect of the variant on protein function. The variant allele was found at a frequency of 3.2e-05 in 251256 control chromosomes. The available data on variant occurrences in the general population are insufficient to allow any conclusion about variant significance. c.8219A>G has been reported in the literature in at-least one individual suspected with Marfan Syndrome (example: Lerner-Ellis_2014). These report(s) do not provide unequivocal conclusions about association of the variant with Marfan Syndrome. One publication reports experimental evidence evaluating an impact on protein function, however, does not allow convincing conclusions about the variant effect. The following publications have been ascertained in the context of this evaluation (PMID: 24793577, 22158541). ClinVar contains an entry for this variant (Variation ID: 36126). Based on the evidence outlined above, the variant was classified as uncertain significance.

Labcorp Genetics (formerly Invitae), Labcorp
Classification: Uncertain significance for Marfan syndrome; Familial thoracic aortic aneurysm and aortic dissection. Last evaluated: 2024-08-21. Review status: criteria provided, single submitter. Criteria: Invitae Variant Classification Sherloc (09022015). Collection method: clinical testing. Allele origin: germline.
Comment: This sequence change replaces asparagine, which is neutral and polar, with serine, which is neutral and polar, at codon 2740 of the FBN1 protein (p.Asn2740Ser). This variant is present in population databases (rs193922242, gnomAD 0.005%). This missense change has been observed in individuals with clinical features of thoracic aortic aneurysm and dissection and/or Marfan syndrome (PMID: 24793577; internal data). ClinVar contains an entry for this variant (Variation ID: 36126). Invitae Evidence Modeling of protein sequence and biophysical properties (such as structural, functional, and spatial information, amino acid conservation, physicochemical variation, residue mobility, and thermodynamic stability) indicates that this missense variant is not expected to disrupt FBN1 protein function with a negative predictive value of 95%. This variant disrupts the p.Asn2740 amino acid residue in FBN1. Other variant(s) that disrupt this residue have been observed in individuals with FBN1-related conditions (PMID: 24793577; internal data), which suggests that this may be a clinically significant amino acid residue. In summary, the available evidence is currently insufficient to determine the role of this variant in disease. Therefore, it has been classified as a Variant of Uncertain Significance.

All of Us Research Program, National Institutes of Health
Classification: Uncertain significance for Marfan syndrome. Last evaluated: 2024-03-24. Review status: criteria provided, single submitter. Criteria: ACMG Guidelines, 2015. Collection method: clinical testing. Allele origin: germline. Inheritance: Autosomal dominant inheritance. Observed: 14 variant alleles, 14 heterozygotes.
Comment: This missense variant replaces asparagine with serine at codon 2740 of the FBN1 protein. Computational prediction tools and conservation analyses suggest that this variant may not impact the protein function. Computational splicing tools suggest that this variant may not impact RNA splicing. To our knowledge, functional assays have not been performed for this variant. This variant been reported in one individual affected with Marfan syndrome in the literature (PMID: 24793577). This variant has been identified in 10/282658 chromosomes in the general population by the Genome Aggregation Database (gnomAD). Available evidence is insufficient to determine the role of this variant in disease conclusively. Therefore, this variant is classified as a Variant of Uncertain Significance.

This study involves interpretation of variants in research participants for the purpose of population health screening. Participant phenotype was not available at the time of variant classification. Additional details can be found in publication PMID: 35346344, PMCID: PMC8962531

Color Diagnostics, LLC DBA Color Health
Classification: Uncertain significance for Familial thoracic aortic aneurysm and aortic dissection. Last evaluated: 2024-02-09. Review status: criteria provided, single submitter. Criteria: ACMG Guidelines, 2015. Collection method: clinical testing. Allele origin: germline.
Comment: This missense variant replaces asparagine with serine at codon 2740 of the FBN1 protein. Computational prediction tools indicate that this variant has a neutral impact on protein structure and function. To our knowledge, functional studies have not been reported for this variant. This variant been reported in one individual affected with Marfan syndrome in the literature (PMID: 24793577). This variant has been identified in 10/282658 chromosomes in the general population by the Genome Aggregation Database (gnomAD). The available evidence is insufficient to determine the role of this variant in disease conclusively. Therefore, this variant is classified as a Variant of Uncertain Significance.

CHEO Genetics Diagnostic Laboratory, Children's Hospital of Eastern Ontario
Classification: Uncertain significance for Familial thoracic aortic aneurysm and aortic dissection. Last evaluated: 2019-08-14. Review status: criteria provided, single submitter. Criteria: ACMG Guidelines, 2015. Collection method: clinical testing. Allele origin: germline.

Laboratory for Molecular Medicine, Mass General Brigham Personalized Medicine
Classification: Uncertain significance. Last evaluated: 2009-12-23. Review status: criteria provided, single submitter. Criteria: LMM Criteria. Collection method: clinical testing. Allele origin: germline. Observed: 2 variant alleles.

Literature cited by the submitters: PubMed 24793577 (cited by 5 submitters); PubMed 22158541 (cited by Women's Health and Genetics/Laboratory Corporation of America, LabCorp).